The following is an entry in ClinVar:

NM_018699.4(PRDM5):c.842G>T (p.Arg281Ile)

Gene: PRDM5 (PR/SET domain 5; minus strand). Cytogenetic location: 4q27.
Variant type: single nucleotide variant.
Coding change: c.842G>T on transcript NM_018699.4 (MANE Select); coding-DNA position 842, G replaced by T.
Protein change: p.Arg281Ile; replaces arginine 281 with isoleucine.
Molecular consequence: missense variant.
Genome position (GRCh38, 1-based): chr4:120,816,476, C>A on the plus strand (G>T on the coding strand, the complement: PRDM5 is on the minus strand). VCF-style: chr4-120816476-C-A. GRCh37 (hg19) VCF-style: chr4-121737631-C-A.
Other names: c.749G>T, p.Arg250Ile (NM_001300823.2, NM_001300824.2, NM_001379106.1); c.842G>T, p.Arg281Ile (NM_001379104.1); short protein forms R250I, R281I.
Identifiers: ClinVar variation 1318617 (VCV001318617.6), dbSNP rs373835306, ClinGen allele CA3061274.
Genomic context (GRCh38, chr4:120,816,476, plus strand): 5'-AAGCCCCTTCGGAAACGACCCTCCAACGACTCCTCACCAGTGTGGACATTTTCCTGGTGT[C>A]TTTTCAGGGCATCCTTGCTCTTCAGCCTCTTTCCACAGCTGTCAGCCTTGCACACAAACC-3'
Protein context (NP_061169.2, residues 271-291): KRLKSKDALK[Arg281Ile]HQENVHTGDP

ClinVar aggregate classification (germline): Uncertain significance. Review status: criteria provided, multiple submitters, no conflicts (2 of 4 stars). 2 submissions from 2 submitters: Uncertain significance (2). Last evaluated 2025-04-18.

Conditions:
Cardiovascular phenotype. Identifiers: MedGen CN230736.

Allele frequency attached by ClinVar (database versions not stated): gnomAD exomes 0.00001; TOPMed 0.00008; ExAC 0.00002; gnomAD 0.00002; ESP Exome Variant Server 0.00008.
gnomAD v4.1: 13 of 1,614,064 alleles (0.00081%); highest among the groups gnomAD compares: African/African-American, 0.012%; no homozygotes.

Submissions (2):

Ambry Genetics
Classification: Uncertain significance for Cardiovascular phenotype. Last evaluated: 2025-04-18. Review status: criteria provided, single submitter. Criteria: Ambry Variant Classification Scheme 2023. Collection method: clinical testing. Allele origin: germline.

GeneDx
Classification: Uncertain significance. Last evaluated: 2021-03-02. Review status: criteria provided, single submitter. Criteria: GeneDx Variant Classification Process June 2021. Collection method: clinical testing. Allele origin: germline. Affected: yes.
Comment: Has not been previously published as pathogenic or benign to our knowledge; Not observed at a significant frequency in large population cohorts (Lek et al., 2016); In silico analysis supports that this missense variant does not alter protein structure/function